The following is an entry in ClinVar:

ClinVar aggregate classification (germline): Uncertain significance. Review status: criteria provided, multiple submitters, no conflicts (2 of 4 stars). 4 submissions from 4 submitters: Uncertain significance (4). Last evaluated 2024-10-08.

Conditions:
Autosomal recessive distal spinal muscular atrophy 1. Also called: NEURONOPATHY, DISTAL HEREDITARY MOTOR, HARDING TYPE VI; NEUROPATHY, DISTAL HEREDITARY MOTOR, AUTOSOMAL RECESSIVE 1; HMN VI; NEURONOPATHY, SEVERE INFANTILE AXONAL, WITH RESPIRATORY FAILURE; SEVERE INFANTILE AXONAL NEUROPATHY WITH RESPIRATORY FAILURE; SPINAL MUSCULAR ATROPHY, DIAPHRAGMATIC. Identifiers: Orphanet 98920, MedGen C1858517, MONDO:0011436, OMIM 604320.
Charcot-Marie-Tooth disease axonal type 2S. Also called: CHARCOT-MARIE-TOOTH NEUROPATHY, TYPE 2S; CHARCOT-MARIE-TOOTH DISEASE, AXONAL, AUTOSOMAL RECESSIVE, TYPE 2S. Identifiers: Orphanet 443073, MedGen C4015349, MONDO:0014511, OMIM 616155.

Allele frequency attached by ClinVar (database versions not stated): gnomAD exomes 0.00001 and 0.00002; gnomAD 0.00005; TOPMed 0.00005.
gnomAD v4.1: 43 of 1,613,580 alleles (0.0027%); highest among the groups gnomAD compares: African/African-American, 0.015%; no homozygotes.

Submissions (4):

Blueprint Genetics
Classification: Uncertain significance. Last evaluated: 2024-10-08. Review status: criteria provided, single submitter. Criteria: ACMG Guidelines, 2015. Collection method: clinical testing. Allele origin: germline.

Fulgent Genetics
Classification: Uncertain significance for Autosomal recessive distal spinal muscular atrophy 1; Charcot-Marie-Tooth disease axonal type 2S. Last evaluated: 2024-04-05. Review status: criteria provided, single submitter. Criteria: ACMG Guidelines, 2015. Collection method: clinical testing. Allele origin: germline.

Labcorp Genetics (formerly Invitae), Labcorp
Classification: Uncertain significance for Autosomal recessive distal spinal muscular atrophy 1; Charcot-Marie-Tooth disease axonal type 2S. Last evaluated: 2021-12-06. Review status: criteria provided, single submitter. Criteria: Invitae Variant Classification Sherloc (09022015). Collection method: clinical testing. Allele origin: germline.
Comment: This sequence change replaces valine, which is neutral and non-polar, with methionine, which is neutral and non-polar, at codon 89 of the IGHMBP2 protein (p.Val89Met). This variant is present in population databases (no rsID available, gnomAD 0.009%). This variant has not been reported in the literature in individuals affected with IGHMBP2-related conditions. ClinVar contains an entry for this variant (Variation ID: 1191596). Algorithms developed to predict the effect of missense changes on protein structure and function are either unavailable or do not agree on the potential impact of this missense change (SIFT: "Deleterious"; PolyPhen-2: "Probably Damaging"; Align-GVGD: "Class C0"). In summary, the available evidence is currently insufficient to determine the role of this variant in disease. Therefore, it has been classified as a Variant of Uncertain Significance.

GeneDx
Classification: Uncertain significance. Last evaluated: 2021-05-20. Review status: criteria provided, single submitter. Criteria: GeneDx Variant Classification Process June 2021. Collection method: clinical testing. Allele origin: germline. Affected: yes.
Comment: Not observed at a significant frequency in large population cohorts (Lek et al., 2016); In silico analysis, which includes protein predictors and evolutionary conservation, supports a deleterious effect; Has not been previously published as pathogenic or benign to our knowledge

NM_002180.3(IGHMBP2):c.265G>A (p.Val89Met)

Gene: IGHMBP2 (immunoglobulin mu DNA binding protein 2; plus strand). Cytogenetic location: 11q13.3.
Variant type: single nucleotide variant.
Coding change: c.265G>A on transcript NM_002180.3 (MANE Select); coding-DNA position 265, G replaced by A.
Protein change: p.Val89Met; replaces valine 89 with methionine.
Molecular consequence: missense variant.
Genome position (GRCh38, 1-based): chr11:68,908,153, G>A. VCF-style: chr11-68908153-G-A. GRCh37 (hg19) VCF-style: chr11-68675621-G-A.
Other names: short protein forms V89M.
Identifiers: ClinVar variation 1191596 (VCV001191596.7), dbSNP rs1384314579, ClinGen allele CA381643017.